The following is an entry in ClinVar:

NM_001035.3(RYR2):c.1870G>A (p.Ala624Thr)

Gene: RYR2 (ryanodine receptor 2; plus strand). Cytogenetic location: 1q43.
Variant type: single nucleotide variant.
Coding change: c.1870G>A on transcript NM_001035.3 (MANE Select); coding-DNA position 1870, G replaced by A.
Protein change: p.Ala624Thr; replaces alanine 624 with threonine.
Molecular consequence: missense variant.
Genome position (GRCh38, 1-based): chr1:237,492,996, G>A. VCF-style: chr1-237492996-G-A. GRCh37 (hg19) VCF-style: chr1-237656296-G-A.
Other names: short protein forms A624T.
Identifiers: ClinVar variation 947851 (VCV000947851.11), dbSNP rs1663584680, ClinGen allele CA345389411.
Genomic context (GRCh38, chr1:237,492,996, plus strand): 5'-AGTAATTTCTCTTTTCAGGTTCTGGATGTCTTGTGCTCACTCTGTGTTTGCCACGGGGTT[G>A]CAGTCCGTTCTAACCAGCATCTCATCTGTGACAATCTCCTACCAGGAAGAGACTTGTTAT-3'
Protein context (NP_001026.2, residues 614-634): LCSLCVCHGV[Ala624Thr]VRSNQHLICD

ClinVar aggregate classification (germline): Pathogenic (1 of 4 stars; one submission).

Conditions:
Catecholaminergic polymorphic ventricular tachycardia 1. Also called: VENTRICULAR TACHYCARDIA, CATECHOLAMINERGIC POLYMORPHIC, 1, WITH OR WITHOUT ATRIAL DYSFUNCTION AND/OR DILATED CARDIOMYOPATHY; VENTRICULAR TACHYCARDIA, STRESS-INDUCED POLYMORPHIC 1; RYR2-Related Catecholaminergic Polymorphic Ventricular Tachycardia. Identifiers: Orphanet 3286, MedGen C1631597, MONDO:0011484, OMIM 604772.

Submission:

Labcorp Genetics (formerly Invitae), Labcorp
Classification: Pathogenic for Catecholaminergic polymorphic ventricular tachycardia 1. Last evaluated: 2025-03-17. Review status: criteria provided, single submitter. Criteria: Invitae Variant Classification Sherloc (09022015). Collection method: clinical testing. Allele origin: germline.
Comment: This sequence change replaces alanine, which is neutral and non-polar, with threonine, which is neutral and polar, at codon 624 of the RYR2 protein (p.Ala624Thr). This variant is not present in population databases (gnomAD no frequency). This missense change has been observed in individual(s) with catecholaminergic polymorphic ventricular tachycardia (internal data). It has also been observed to segregate with disease in related individuals. ClinVar contains an entry for this variant (Variation ID: 947851). Invitae Evidence Modeling of protein sequence and biophysical properties (such as structural, functional, and spatial information, amino acid conservation, physicochemical variation, residue mobility, and thermodynamic stability) indicates that this missense variant is expected to disrupt RYR2 protein function with a positive predictive value of 95%. For these reasons, this variant has been classified as Pathogenic.